The following is an entry in ClinVar:

ClinVar aggregate classification (germline): Conflicting classifications of pathogenicity. Review status: criteria provided, conflicting classifications (1 of 4 stars). 3 submissions from 3 submitters: Uncertain significance (1); Likely benign (2). Last evaluated 2025-12-11.

Conditions:
Dilated cardiomyopathy 1G (CMD1G). Identifiers: Orphanet 154, MedGen C1858763, MONDO:0011400, OMIM 604145.
Autosomal recessive limb-girdle muscular dystrophy type 2J (LGMDR10). Also called: Limb-girdle muscular dystrophy, type 2J; MUSCULAR DYSTROPHY, LIMB-GIRDLE, AUTOSOMAL RECESSIVE 10. Identifiers: Orphanet 140922, MedGen C1837342, MONDO:0012127, OMIM 608807.
TTN-related disorder. Also called: TTN-related condition; TTN-related disease; TTN-related disorders.

Allele frequency attached by ClinVar (database versions not stated): gnomAD exomes below 0.00001 and 0.00003; gnomAD 0.00001; TOPMed 0.00002.
gnomAD v4.1: 38 of 1,611,578 alleles (0.0024%); highest among the groups gnomAD compares: African/African-American, 0.004%; no homozygotes.

Submissions (3):

Labcorp Genetics (formerly Invitae), Labcorp
Classification: Likely benign for Dilated cardiomyopathy 1G; Autosomal recessive limb-girdle muscular dystrophy type 2J. Last evaluated: 2025-12-11. Review status: criteria provided, single submitter. Criteria: Invitae Variant Classification Sherloc (09022015). Collection method: clinical testing. Allele origin: germline.

PreventionGenetics, part of Exact Sciences
Classification: Likely benign for TTN-related condition. Last evaluated: 2025-03-09. Review status: criteria provided, single submitter. Criteria: ACMG Guidelines, 2015. Collection method: clinical testing. Allele origin: germline.
Comment: This variant is classified as likely benign based on ACMG/AMP sequence variant interpretation guidelines (Richards et al. 2015 PMID: 25741868, with internal and published modifications).

Laboratory for Molecular Medicine, Mass General Brigham Personalized Medicine
Classification: Uncertain significance. Last evaluated: 2017-12-08. Review status: criteria provided, single submitter. Criteria: LMM Criteria. Collection method: clinical testing. Allele origin: germline. Observed: 1 variant allele.
Comment: The c.90980-10A>G variant in TTN has not been previously reported in individuals with cardiomyopathy, but has been identified in 1/110805 European chromosomes b y the Genome Aggregation Database (gnomAD; dbS NP rs72750572). This variant is located in the 3' splice region. Computational t ools do not suggest an impact to splicing. However, this information is not pred ictive enough to rule out pathogenicity. In summary, the clinical significance o f the c.90980-10A>G variant is uncertain. ACMG/AMP Criteria applied: PM2; BP4.

NM_001267550.2(TTN):c.98684-10A>G

Genes: TTN (titin; minus strand), TTN-AS1 (TTN antisense RNA 1; plus strand). Cytogenetic location: 2q31.2.
Variant type: single nucleotide variant.
Coding change: c.98684-10A>G on transcript NM_001267550.2 (MANE Select); 10 bases into the intron before coding-DNA position 98684, A replaced by G.
Molecular consequence: intron variant. On other transcripts: non-coding transcript variant (1).
Genome position (GRCh38, 1-based): chr2:178,539,261, T>C on the plus strand (A>G on the coding strand, the complement: TTN is on the minus strand). VCF-style: chr2-178539261-T-C. GRCh37 (hg19) VCF-style: chr2-179403988-T-C.
Other names: c.71489-10A>G (NM_003319.4); c.72065-10A>G (NM_133437.4); c.71864-10A>G (NM_133432.3); c.90980-10A>G (NM_133378.4); c.93761-10A>G (NM_001256850.1).
Identifiers: ClinVar variation 179713 (VCV000179713.17), dbSNP rs727505072, ClinGen allele CA184979.